The following is an entry in ClinVar:

NM_032119.4(ADGRV1):c.12269C>A (p.Thr4090Asn)

Gene: ADGRV1 (adhesion G protein-coupled receptor V1; plus strand). Cytogenetic location: 5q14.3.
Variant type: single nucleotide variant.
Coding change: c.12269C>A on transcript NM_032119.4 (MANE Select); coding-DNA position 12269, C replaced by A.
Protein change: p.Thr4090Asn; replaces threonine 4090 with asparagine.
Molecular consequence: missense variant. On other transcripts: non-coding transcript variant (1).
Genome position (GRCh38, 1-based): chr5:90,763,453, C>A. VCF-style: chr5-90763453-C-A. GRCh37 (hg19) VCF-style: chr5-90059270-C-A.
Other names: p.T4090N:ACC>AAC; short protein forms T4090N.
Identifiers: ClinVar variation 46259 (VCV000046259.69), dbSNP rs199839743, ClinGen allele CA138009.

ClinVar aggregate classification (germline): Benign/Likely benign. Review status: criteria provided, multiple submitters, no conflicts (2 of 4 stars). 10 submissions from 10 submitters: Benign (4); Likely benign (5). 1 of the submissions does not count toward it. Last evaluated 2026-02-02.

Conditions:
ADGRV1-related disorder. Also called: ADGRV1-related condition; ADGRV1-related disorders.
Usher syndrome type 2C. Also called: Usher syndrome, type 2B; USHER SYNDROME, TYPE IIC. Identifiers: Orphanet 231178, Orphanet 886, MedGen C2931213, MONDO:0011558, OMIM 605472.

Allele frequency attached by ClinVar (database versions not stated): 1000 Genomes Project 30x 0.00047; ExAC 0.00246; gnomAD exomes 0.00287 and 0.00580; TOPMed 0.00320; gnomAD 0.00356 and 0.00372; ESP Exome Variant Server 0.00428.
gnomAD v4.1: 8,882 of 1,612,340 alleles (0.55%); highest among the groups gnomAD compares: Non-Finnish European, 0.72%; 31 homozygotes.

Submissions (10):

Labcorp Genetics (formerly Invitae), Labcorp
Classification: Likely benign. Last evaluated: 2026-02-02. Review status: criteria provided, single submitter. Criteria: Invitae Variant Classification Sherloc (09022015). Collection method: clinical testing. Allele origin: germline.

CeGaT Center for Human Genetics Tuebingen
Classification: Benign. Last evaluated: 2026-01-01. Review status: criteria provided, single submitter. Criteria: CeGaT Center For Human Genetics Tuebingen Variant Classification Criteria Version 2. Collection method: clinical testing. Allele origin: germline. Affected: yes. Observed: 8 variant alleles.
Comment: ADGRV1: BP4, BS1, BS2

Illumina Laboratory Services, Illumina
Classification: Benign for Usher syndrome type 2C. Last evaluated: 2025-04-08. Review status: criteria provided, single submitter. Criteria: ICSLVariantClassificationCriteria RUGD 01 April 2020. Collection method: clinical testing. Allele origin: unknown.

Blueprint Genetics
Classification: Likely benign. Last evaluated: 2024-11-05. Review status: criteria provided, single submitter. Criteria: ACMG Guidelines, 2015. Collection method: clinical testing. Allele origin: germline.

GeneDx
Classification: Benign. Last evaluated: 2019-01-16. Review status: criteria provided, single submitter. Criteria: GeneDx Variant Classification Process June 2021. Collection method: clinical testing. Allele origin: germline. Affected: yes.
Comment: This variant is associated with the following publications: (PMID: 26969326, 30180840, 32707200)

Athena Diagnostics
Classification: Likely benign. Last evaluated: 2018-07-05. Review status: criteria provided, single submitter. Criteria: Athena Diagnostics Criteria. Collection method: clinical testing. Allele origin: germline.

Center for Pediatric Genomic Medicine, Children's Mercy Hospital and Clinics
Classification: Likely benign. Last evaluated: 2016-12-15. Review status: criteria provided, single submitter. Criteria: ACMG Guidelines, 2015. Collection method: clinical testing. Allele origin: germline.
ClinVar note: Converted during submission from Likely Benign to Likely benign.

Eurofins Ntd Llc (ga)
Classification: Likely benign. Last evaluated: 2015-02-20. Review status: criteria provided, single submitter. Criteria: EGL Classification Definitions 2015. Collection method: clinical testing. Allele origin: germline. Observed: 1 variant allele, 1 heterozygote.

Laboratory for Molecular Medicine, Mass General Brigham Personalized Medicine
Classification: Benign. Last evaluated: 2012-04-30. Review status: criteria provided, single submitter. Criteria: LMM Criteria. Collection method: clinical testing. Allele origin: germline. Observed: 13 variant alleles.
Comment: Thr4090Asn in Exon 59 of GPR98: This variant is not expected to have clinical si gnificance because it has been identified in 0.6% (39/6606) of European American chromosomes from a broad population by the NHLBI Exome Sequencing Project.

PreventionGenetics, part of Exact Sciences
Classification: Benign for ADGRV1-related condition. Last evaluated: 2020-05-07. Review status: no assertion criteria provided. Collection method: clinical testing. Allele origin: germline. Not counted in ClinVar's aggregate classification.
Comment: This variant is classified as benign based on ACMG/AMP sequence variant interpretation guidelines (Richards et al. 2015 PMID: 25741868, with internal and published modifications).

Literature cited by the submitters: PubMed 26969326 (cited by Athena Diagnostics).